The following is an entry in ClinVar:

NM_153026.3(PRICKLE1):c.247-207A>T

Gene: PRICKLE1 (prickle planar cell polarity protein 1; minus strand). Cytogenetic location: 12q12.
Variant type: single nucleotide variant.
Coding change: c.247-207A>T on transcript NM_153026.3 (MANE Select); 207 bases into the intron before coding-DNA position 247, A replaced by T.
Molecular consequence: intron variant.
Genome position (GRCh38, 1-based): chr12:42,469,794, T>A on the plus strand (A>T on the coding strand, the complement: PRICKLE1 is on the minus strand). VCF-style: chr12-42469794-T-A. GRCh37 (hg19) VCF-style: chr12-42863596-T-A.
Other names: c.247-207A>T (NM_001144883.2, NM_001144882.2, NM_001144881.2).
Identifiers: ClinVar variation 677629 (VCV000677629.1), dbSNP rs7952738, ClinGen allele CA235494325.
Genomic context (GRCh38, chr12:42,469,794, plus strand): 5'-TCTGAATTTTACAGCCTCTCTAGAAAAAGGGAAATGCAATGTGAAGGAATACTTTTTTTT[T>A]AAATAAGAAATGTTTAATTGAAAACCCTTATCAACACAGAATTAAAAAATATATATAGGA-3'

ClinVar aggregate classification (germline): Likely benign (1 of 4 stars; one submission).

Allele frequency attached by ClinVar (database versions not stated): gnomAD exomes 0.00783; gnomAD 0.01226 and 0.01251; TOPMed 0.01324; 1000 Genomes Project 0.01458; 1000 Genomes Project 30x 0.01483.
gnomAD v4.1: 5,649 of 621,390 alleles (0.91%); highest among the groups gnomAD compares: Middle Eastern, 2.8%; 40 homozygotes.

Submission:

GeneDx
Classification: Likely benign. Last evaluated: 2018-06-19. Review status: criteria provided, single submitter. Criteria: GeneDx Variant Classification (06012015). Collection method: clinical testing. Allele origin: germline. Affected: yes.
Comment: This variant is considered likely benign or benign based on one or more of the following criteria: it is a conservative change, it occurs at a poorly conserved position in the protein, it is predicted to be benign by multiple in silico algorithms, and/or has population frequency not consistent with disease.